The following is an entry in ClinVar:

ClinVar aggregate classification (germline): Uncertain significance (1 of 4 stars; one submission).

Conditions:
Fanconi anemia (FA). Also called: Fanconi's anemia. Identifiers: Orphanet 84, MedGen C0015625, MeSH D005199, MONDO:0019391.

gnomAD v4.1: 1 of 1,614,100 alleles (0.000062%); highest among the groups gnomAD compares: Non-Finnish European, 0.000085%; no homozygotes.

Submission:

Labcorp Genetics (formerly Invitae), Labcorp
Classification: Uncertain significance for Fanconi anemia. Last evaluated: 2025-04-14. Review status: criteria provided, single submitter. Criteria: Invitae Variant Classification Sherloc (09022015). Collection method: clinical testing. Allele origin: germline.
Comment: This sequence change replaces alanine, which is neutral and non-polar, with threonine, which is neutral and polar, at codon 918 of the FANCI protein (p.Ala918Thr). This variant is not present in population databases (gnomAD no frequency). This variant has not been reported in the literature in individuals affected with FANCI-related conditions. ClinVar contains an entry for this variant (Variation ID: 1990577). Invitae Evidence Modeling of protein sequence and biophysical properties (such as structural, functional, and spatial information, amino acid conservation, physicochemical variation, residue mobility, and thermodynamic stability) indicates that this missense variant is not expected to disrupt FANCI protein function with a negative predictive value of 80%. In summary, the available evidence is currently insufficient to determine the role of this variant in disease. Therefore, it has been classified as a Variant of Uncertain Significance.

NM_001113378.2(FANCI):c.2752G>A (p.Ala918Thr)

Gene: FANCI (FA complementation group I; plus strand). Cytogenetic location: 15q26.1.
Variant type: single nucleotide variant.
Coding change: c.2752G>A on transcript NM_001113378.2 (MANE Select); coding-DNA position 2752, G replaced by A.
Protein change: p.Ala918Thr; replaces alanine 918 with threonine.
Molecular consequence: missense variant.
Genome position (GRCh38, 1-based): chr15:89,299,915, G>A. VCF-style: chr15-89299915-G-A. GRCh37 (hg19) VCF-style: chr15-89843146-G-A.
Other names: c.2473G>A, p.Ala825Thr (NM_001376910.1); c.2752G>A, p.Ala918Thr (NM_001376911.1); c.2572G>A, p.Ala858Thr (NM_018193.3); short protein forms A858T, A825T, A918T.
Identifiers: ClinVar variation 1990577 (VCV001990577.4), dbSNP rs1278777647, ClinGen allele CA393737108.